The following is an entry in ClinVar:

ClinVar aggregate classification (germline): Uncertain significance. Review status: criteria provided, multiple submitters, no conflicts (2 of 4 stars). 2 submissions from 2 submitters: Uncertain significance (2). Last evaluated 2023-02-07.

Allele frequency attached by ClinVar (database versions not stated): gnomAD 0.00001; gnomAD exomes 0.00001.
gnomAD v4.1: 5 of 1,613,930 alleles (0.00031%); highest among the groups gnomAD compares: Non-Finnish European, 0.00042%; no homozygotes.

Submissions (2):

Blueprint Genetics
Classification: Uncertain significance. Last evaluated: 2023-02-07. Review status: criteria provided, single submitter. Criteria: ACMG Guidelines, 2015. Collection method: clinical testing. Allele origin: germline.

Labcorp Genetics (formerly Invitae), Labcorp
Classification: Uncertain significance. Last evaluated: 2021-12-12. Review status: criteria provided, single submitter. Criteria: Invitae Variant Classification Sherloc (09022015). Collection method: clinical testing. Allele origin: germline.
Comment: Algorithms developed to predict the effect of missense changes on protein structure and function (SIFT, PolyPhen-2, Align-GVGD) all suggest that this variant is likely to be tolerated. In summary, the available evidence is currently insufficient to determine the role of this variant in disease. Therefore, it has been classified as a Variant of Uncertain Significance. This variant has not been reported in the literature in individuals affected with PITPNM3-related conditions. This sequence change replaces valine, which is neutral and non-polar, with leucine, which is neutral and non-polar, at codon 28 of the PITPNM3 protein (p.Val28Leu). This variant is present in population databases (no rsID available, gnomAD 0.007%).

NM_031220.4(PITPNM3):c.82G>C (p.Val28Leu)

Gene: PITPNM3 (PITPNM family member 3; minus strand). Cytogenetic location: 17p13.1.
Variant type: single nucleotide variant.
Coding change: c.82G>C on transcript NM_031220.4 (MANE Select); coding-DNA position 82, G replaced by C.
Protein change: p.Val28Leu; replaces valine 28 with leucine.
Molecular consequence: missense variant.
Genome position (GRCh38, 1-based): chr17:6,538,023, C>G on the plus strand (G>C on the coding strand, the complement: PITPNM3 is on the minus strand). VCF-style: chr17-6538023-C-G. GRCh37 (hg19) VCF-style: chr17-6441343-C-G.
Other names: c.82G>C, p.Val28Leu (NM_001165966.2); short protein forms V28L.
Identifiers: ClinVar variation 1955152 (VCV001955152.6), dbSNP rs752224336, ClinGen allele CA397402860.